The following is an entry in ClinVar:

NM_021961.6(TEAD1):c.268-5T>G

Gene: TEAD1 (TEA domain transcription factor 1; plus strand). Cytogenetic location: 11p15.3.
Variant type: single nucleotide variant.
Coding change: c.268-5T>G on transcript NM_021961.6 (MANE Select); 5 bases into the intron before coding-DNA position 268, T replaced by G.
Molecular consequence: intron variant.
Genome position (GRCh38, 1-based): chr11:12,864,833, T>G. VCF-style: chr11-12864833-T-G. GRCh37 (hg19) VCF-style: chr11-12886380-T-G.
Other names: c.268-5T>G (NM_021961.5).
Identifiers: ClinVar variation 2040561 (VCV002040561.7), dbSNP rs1947583726, ClinGen allele CA912971749.

ClinVar aggregate classification (germline): Conflicting classifications of pathogenicity. Review status: criteria provided, conflicting classifications (1 of 4 stars). 3 submissions from 3 submitters: Uncertain significance (1); Likely benign (1). 1 of the submissions does not count toward it. Last evaluated 2026-01-19.

Conditions:
TEAD1-related disorder. Also called: TEAD1-related condition.

Allele frequency attached by ClinVar (database versions not stated): gnomAD 0.00001; gnomAD exomes 0.00001; TOPMed 0.00001.
gnomAD v4.1: 16 of 1,614,022 alleles (0.00099%); highest among the groups gnomAD compares: Non-Finnish European, 0.0013%; no homozygotes.

Submissions (3):

Labcorp Genetics (formerly Invitae), Labcorp
Classification: Likely benign. Last evaluated: 2026-01-19. Review status: criteria provided, single submitter. Criteria: Invitae Variant Classification Sherloc (09022015). Collection method: clinical testing. Allele origin: germline.

Blueprint Genetics
Classification: Uncertain significance. Last evaluated: 2019-11-13. Review status: criteria provided, single submitter. Criteria: ACMG Guidelines, 2015. Collection method: clinical testing. Allele origin: germline.

PreventionGenetics, part of Exact Sciences
Classification: Likely benign for TEAD1-related condition. Last evaluated: 2019-06-19. Review status: no assertion criteria provided. Collection method: clinical testing. Allele origin: germline. Not counted in ClinVar's aggregate classification.
Comment: This variant is classified as likely benign based on ACMG/AMP sequence variant interpretation guidelines (Richards et al. 2015 PMID: 25741868, with internal and published modifications).